The following is an entry in ClinVar:

NM_000088.4(COL1A1):c.2451del (p.Gly818fs)

Gene: COL1A1 (collagen type I alpha 1 chain; minus strand). Cytogenetic location: 17q21.33.
Variant type: Deletion.
Coding change: c.2451del on transcript NM_000088.4 (MANE Select); coding-DNA position 2451, one base deleted (T; older notation c.2451delT).
Protein change: p.Gly818fs; shifts the reading frame from glycine 818.
Molecular consequence: frameshift variant.
Genome position (GRCh38, 1-based): chr17:50,190,327, A deleted on the plus strand (T on the coding strand, the reverse complement: COL1A1 is on the minus strand). VCF-style (leftmost placement, unchanged base first): chr17-50190326-CA-C. GRCh37 (hg19) VCF-style: chr17-48267687-CA-C.
Other names: c.2451delT, p.Gly818Valfs (NM_000088.3); short protein forms G818fs.
Identifiers: ClinVar variation 3338858 (VCV003338858.1).

ClinVar aggregate classification (germline): Pathogenic (1 of 4 stars; one submission).

Submission:

GeneDx
Classification: Pathogenic. Last evaluated: 2024-03-05. Review status: criteria provided, single submitter. Criteria: GeneDx Variant Classification Process June 2021. Collection method: clinical testing. Allele origin: germline. Affected: yes.
Comment: Frameshift variant predicted to result in protein truncation or nonsense mediated decay in a gene for which loss-of-function is a known mechanism of disease; Not observed at significant frequency in large population cohorts (gnomAD); This variant is associated with the following publications: (PMID: 15241796, 25944380)